The following is an entry in ClinVar:

NM_014714.4(IFT140):c.937C>G (p.Leu313Val)

Genes: IFT140 (intraflagellar transport 140; minus strand), LOC105371046 (uncharacterized LOC105371046; plus strand). Cytogenetic location: 16p13.3.
Variant type: single nucleotide variant.
Coding change: c.937C>G on transcript NM_014714.4 (MANE Select); coding-DNA position 937, C replaced by G.
Protein change: p.Leu313Val; replaces leucine 313 with valine.
Molecular consequence: missense variant.
Genome position (GRCh38, 1-based): chr16:1,587,270, G>C on the plus strand (C>G on the coding strand, the complement: IFT140 is on the minus strand). VCF-style: chr16-1587270-G-C. GRCh37 (hg19) VCF-style: chr16-1637271-G-C.
Other names: short protein forms L313V.
Identifiers: ClinVar variation 318197 (VCV000318197.9), dbSNP rs758052767, ClinGen allele CA7814487.

ClinVar aggregate classification (germline): Uncertain significance. Review status: criteria provided, multiple submitters, no conflicts (2 of 4 stars). 4 submissions from 4 submitters: Uncertain significance (4). Last evaluated 2025-04-27.

Conditions:
Saldino-Mainzer syndrome (SRTD9). Also called: short-rib thoracic dysplasia 9 with or without polydactyly; CONORENAL SYNDROME; Renal dysplasia, retinal pigmentary dystrophy, cerebellar ataxia and skeletal dysplasia; SHORT-RIB THORACIC DYSPLASIA 9 WITHOUT POLYDACTYLY. Identifiers: Orphanet 140969, MedGen C1849437, MONDO:0009964, OMIM 266920.
Retinitis pigmentosa 80 (RP80). Identifiers: MedGen C4540439, MONDO:0054708, OMIM 617781.

Allele frequency attached by ClinVar (database versions not stated): ExAC 0.00002.
gnomAD v4.1: 32 of 1,612,166 alleles (0.002%); highest among the groups gnomAD compares: Non-Finnish European, 0.0025%; no homozygotes.

Submissions (4):

Labcorp Genetics (formerly Invitae), Labcorp
Classification: Uncertain significance for Saldino-Mainzer syndrome. Last evaluated: 2025-04-27. Review status: criteria provided, single submitter. Criteria: Invitae Variant Classification Sherloc (09022015). Collection method: clinical testing. Allele origin: germline.
Comment: This sequence change replaces leucine, which is neutral and non-polar, with valine, which is neutral and non-polar, at codon 313 of the IFT140 protein (p.Leu313Val). This variant is present in population databases (rs758052767, gnomAD 0.004%). This variant has not been reported in the literature in individuals affected with IFT140-related conditions. ClinVar contains an entry for this variant (Variation ID: 318197). Invitae Evidence Modeling of protein sequence and biophysical properties (such as structural, functional, and spatial information, amino acid conservation, physicochemical variation, residue mobility, and thermodynamic stability) indicates that this missense variant is not expected to disrupt IFT140 protein function with a negative predictive value of 80%. In summary, the available evidence is currently insufficient to determine the role of this variant in disease. Therefore, it has been classified as a Variant of Uncertain Significance.

Blueprint Genetics
Classification: Uncertain significance. Last evaluated: 2024-10-31. Review status: criteria provided, single submitter. Criteria: ACMG Guidelines, 2015. Collection method: clinical testing. Allele origin: germline.

Fulgent Genetics
Classification: Uncertain significance for Saldino-Mainzer syndrome; Retinitis pigmentosa 80. Last evaluated: 2024-06-06. Review status: criteria provided, single submitter. Criteria: ACMG Guidelines, 2015. Collection method: clinical testing. Allele origin: germline.

Illumina Laboratory Services, Illumina
Classification: Uncertain significance for Saldino-Mainzer syndrome. Last evaluated: 2018-01-13. Review status: criteria provided, single submitter. Criteria: ICSL Variant Classification Criteria 13 December 2019. Collection method: clinical testing. Allele origin: germline.